The following is an entry in ClinVar:

ClinVar aggregate classification (germline): Uncertain significance (1 of 4 stars; one submission).

Conditions:
Autosomal dominant childhood-onset proximal spinal muscular atrophy with contractures (SMALED2A). Also called: Spinal muscular atrophy, lower extremity-predominant, 2A, autosomal dominant; SPINAL MUSCULAR ATROPHY, LOWER EXTREMITY-PREDOMINANT, 2A, CHILDHOOD ONSET, AUTOSOMAL DOMINANT. Identifiers: Orphanet 363447, Orphanet 363454, MedGen C4747715, MONDO:0014121, OMIM 615290.

gnomAD v4.1: 7 of 1,614,124 alleles (0.00043%); highest among the groups gnomAD compares: Non-Finnish European, 0.00034%; no homozygotes.

Submission:

Labcorp Genetics (formerly Invitae), Labcorp
Classification: Uncertain significance for Autosomal dominant childhood-onset proximal spinal muscular atrophy with contractures. Last evaluated: 2023-09-15. Review status: criteria provided, single submitter. Criteria: Invitae Variant Classification Sherloc (09022015). Collection method: clinical testing. Allele origin: germline.
Comment: In summary, the available evidence is currently insufficient to determine the role of this variant in disease. Therefore, it has been classified as a Variant of Uncertain Significance. Advanced modeling of protein sequence and biophysical properties (such as structural, functional, and spatial information, amino acid conservation, physicochemical variation, residue mobility, and thermodynamic stability) performed at Invitae indicates that this missense variant is expected to disrupt BICD2 protein function. This variant has not been reported in the literature in individuals affected with BICD2-related conditions. This variant is present in population databases (no rsID available, gnomAD 0.009%). This sequence change replaces arginine, which is basic and polar, with leucine, which is neutral and non-polar, at codon 655 of the BICD2 protein (p.Arg655Leu).

NM_001003800.2(BICD2):c.1964G>T (p.Arg655Leu)

Gene: BICD2 (BICD cargo adaptor 2; minus strand). Cytogenetic location: 9q22.31.
Variant type: single nucleotide variant.
Coding change: c.1964G>T on transcript NM_001003800.2 (MANE Select); coding-DNA position 1964, G replaced by T.
Protein change: p.Arg655Leu; replaces arginine 655 with leucine.
Molecular consequence: missense variant.
Genome position (GRCh38, 1-based): chr9:92,718,681, C>A on the plus strand (G>T on the coding strand, the complement: BICD2 is on the minus strand). VCF-style: chr9-92718681-C-A. GRCh37 (hg19) VCF-style: chr9-95480963-C-A.
Other names: c.1964G>T, p.Arg655Leu (NM_015250.4); short protein forms R655L.
Identifiers: ClinVar variation 2986864 (VCV002986864.3), dbSNP rs143242735, ClinGen allele CA374034679.